The following is an entry in ClinVar:

NM_015221.4(DNMBP):c.3027G>A (p.Lys1009=)

Gene: DNMBP (dynamin binding protein; minus strand). Cytogenetic location: 10q24.2.
Variant type: single nucleotide variant.
Coding change: c.3027G>A on transcript NM_015221.4 (MANE Select); coding-DNA position 3027, G replaced by A.
Protein change: p.Lys1009=; no amino-acid change (lysine 1009 retained).
Molecular consequence: synonymous variant.
Genome position (GRCh38, 1-based): chr10:99,896,291, C>T on the plus strand (G>A on the coding strand, the complement: DNMBP is on the minus strand). VCF-style: chr10-99896291-C-T. GRCh37 (hg19) VCF-style: chr10-101656048-C-T.
Other names: c.1923G>A, p.Lys641= (NM_001318326.2); c.765G>A, p.Lys255= (NM_001318327.2).
Identifiers: ClinVar variation 3046632 (VCV003046632.2), dbSNP rs2493139786, ClinGen allele CA471142283.

ClinVar aggregate classification (germline): Likely benign (0 of 4 stars; one submission).

Conditions:
DNMBP-related disorder. Also called: DNMBP-related condition.

gnomAD v4.1: 1 of 1,614,152 alleles (0.000062%); no homozygotes.

Submission:

PreventionGenetics, part of Exact Sciences
Classification: Likely benign for DNMBP-related condition. Last evaluated: 2019-02-22. Review status: no assertion criteria provided. Collection method: clinical testing. Allele origin: germline.
Comment: This variant is classified as likely benign based on ACMG/AMP sequence variant interpretation guidelines (Richards et al. 2015 PMID: 25741868, with internal and published modifications).